The following is an entry in ClinVar:

NM_000051.4(ATM):c.4411A>T (p.Thr1471Ser)

Gene: ATM (ATM serine/threonine kinase; plus strand). Cytogenetic location: 11q22.3.
Variant type: single nucleotide variant.
Coding change: c.4411A>T on transcript NM_000051.4 (MANE Select); coding-DNA position 4411, A replaced by T.
Protein change: p.Thr1471Ser; replaces threonine 1471 with serine.
Molecular consequence: missense variant.
Genome position (GRCh38, 1-based): chr11:108,289,776, A>T. VCF-style: chr11-108289776-A-T. GRCh37 (hg19) VCF-style: chr11-108160503-A-T.
Other names: c.4411A>T, p.Thr1471Ser (NM_001351834.2); short protein forms T1471S.
Identifiers: ClinVar variation 3325463 (VCV003325463.1).

ClinVar aggregate classification (germline): Uncertain significance (1 of 4 stars; one submission).

Conditions:
Hereditary cancer-predisposing syndrome. Also called: Neoplastic Syndromes, Hereditary; Tumor predisposition; Hereditary neoplastic syndrome; Hereditary Cancer Syndrome. Identifiers: Orphanet 140162, MedGen C0027672, MeSH D009386, MONDO:0015356.

gnomAD v4.1: 1 of 1,613,180 alleles (0.000062%); highest among the groups gnomAD compares: Non-Finnish European, 0.000085%; no homozygotes.

Submission:

Ambry Genetics
Classification: Uncertain significance for Hereditary cancer-predisposing syndrome. Last evaluated: 2024-04-11. Review status: criteria provided, single submitter. Criteria: Ambry Variant Classification Scheme 2023. Collection method: clinical testing. Allele origin: germline.
Comment: The p.T1471S variant (also known as c.4411A>T), located in coding exon 28 of the ATM gene, results from an A to T substitution at nucleotide position 4411. The threonine at codon 1471 is replaced by serine, an amino acid with similar properties. This amino acid position is conserved. In addition, this alteration is predicted to be tolerated by in silico analysis. Based on the available evidence, the clinical significance of this variant remains unclear.